The following is an entry in ClinVar:

NM_000096.4(CP):c.22A>G (p.Ile8Val)

Gene: CP (ceruloplasmin; minus strand). Cytogenetic location: 3q25.1.
Variant type: single nucleotide variant.
Coding change: c.22A>G on transcript NM_000096.4 (MANE Select); coding-DNA position 22, A replaced by G.
Protein change: p.Ile8Val; replaces isoleucine 8 with valine.
Molecular consequence: missense variant. On other transcripts: non-coding transcript variant (1).
Genome position (GRCh38, 1-based): chr3:149,221,771, T>C on the plus strand (A>G on the coding strand, the complement: CP is on the minus strand). VCF-style: chr3-149221771-T-C. GRCh37 (hg19) VCF-style: chr3-148939558-T-C.
Other names: short protein forms I8V.
Identifiers: ClinVar variation 1428458 (VCV001428458.8), dbSNP rs770665382, ClinGen allele CA85551979.

ClinVar aggregate classification (germline): Uncertain significance (1 of 4 stars; one submission).

Conditions:
Deficiency of ferroxidase (ACEP). Also called: Aceruloplasminemia; Deficiency of ceruloplasmin; NEURODEGENERATION WITH BRAIN IRON ACCUMULATION 10; Ceruloplasmin deficiency; Familial apoceruloplasmin deficiency; Hereditary ceruloplasmin deficiency. Identifiers: Orphanet 48818, MedGen C0878682, MONDO:0011426, OMIM 604290, HP:0025498.

Allele frequency attached by ClinVar (database versions not stated): gnomAD exomes below 0.00001 and 0.00002; gnomAD 0.00001; TOPMed 0.00001.
gnomAD v4.1: 29 of 1,613,194 alleles (0.0018%); highest among the groups gnomAD compares: Non-Finnish European, 0.0025%; no homozygotes.

Submission:

Labcorp Genetics (formerly Invitae), Labcorp
Classification: Uncertain significance for Deficiency of ferroxidase. Last evaluated: 2021-05-12. Review status: criteria provided, single submitter. Criteria: Invitae Variant Classification Sherloc (09022015). Collection method: clinical testing. Allele origin: germline.
Comment: In summary, the available evidence is currently insufficient to determine the role of this variant in disease. Therefore, it has been classified as a Variant of Uncertain Significance. Algorithms developed to predict the effect of missense changes on protein structure and function output the following: SIFT: "Tolerated"; PolyPhen-2: "Benign"; Align-GVGD: "Class C0". The valine amino acid residue is found in multiple mammalian species, suggesting that this missense change does not adversely affect protein function. These predictions have not been confirmed by published functional studies and their clinical significance is uncertain. This variant has not been reported in the literature in individuals with CP-related conditions. This variant is not present in population databases (ExAC no frequency). This sequence change replaces isoleucine with valine at codon 8 of the CP protein (p.Ile8Val). The isoleucine residue is weakly conserved and there is a small physicochemical difference between isoleucine and valine.